The following is an entry in ClinVar:

NM_000404.4(GLB1):c.1437C>A (p.Asn479Lys)

Gene: GLB1 (galactosidase beta 1; minus strand). Cytogenetic location: 3p22.3.
Variant type: single nucleotide variant.
Coding change: c.1437C>A on transcript NM_000404.4 (MANE Select); coding-DNA position 1437, C replaced by A.
Protein change: p.Asn479Lys; replaces asparagine 479 with lysine.
Molecular consequence: missense variant.
Genome position (GRCh38, 1-based): chr3:33,016,751, G>T on the plus strand (C>A on the coding strand, the complement: GLB1 is on the minus strand). VCF-style: chr3-33016751-G-T. GRCh37 (hg19) VCF-style: chr3-33058243-G-T.
Other names: c.1347C>A, p.Asn449Lys (NM_001079811.3); c.1044C>A, p.Asn348Lys (NM_001135602.3); c.1581C>A, p.Asn527Lys (NM_001317040.2); c.1437C>A, p.Asn479Lys (NM_001393580.1); short protein forms N449K, N479K, N527K, N348K.
Identifiers: ClinVar variation 2192335 (VCV002192335.4), dbSNP rs1332960380, ClinGen allele CA351988894.

ClinVar aggregate classification (germline): Uncertain significance (1 of 4 stars; one submission).

Conditions:
Mucopolysaccharidosis, MPS-IV-B (MPS4B). Also called: Mucopolysaccharidosis type IV B; Mucopolysaccharidosis Type IVB; Mucopolysaccharidosis type IVB (Morquio); MPS IVB; MORQUIO SYNDROME B; Mucopolysaccharidosis Type IVB (Morquio B Disease). Identifiers: Orphanet 309310, Orphanet 582, MedGen C0086652, MONDO:0009660, OMIM 253010.
GM1 gangliosidosis. Identifiers: Orphanet 354, MedGen C0085131, MONDO:0018149.

Allele frequency attached by ClinVar (database versions not stated): gnomAD exomes below 0.00001.
gnomAD v4.1: 1 of 1,614,138 alleles (0.000062%); highest among the groups gnomAD compares: Admixed American, 0.0017%; no homozygotes.

Submission:

Labcorp Genetics (formerly Invitae), Labcorp
Classification: Uncertain significance for Mucopolysaccharidosis, MPS-IV-B; GM1 gangliosidosis. Last evaluated: 2024-02-24. Review status: criteria provided, single submitter. Criteria: Invitae Variant Classification Sherloc (09022015). Collection method: clinical testing. Allele origin: germline.
Comment: This sequence change replaces asparagine, which is neutral and polar, with lysine, which is basic and polar, at codon 479 of the GLB1 protein (p.Asn479Lys). This variant is present in population databases (no rsID available, gnomAD 0.003%). This variant has not been reported in the literature in individuals affected with GLB1-related conditions. ClinVar contains an entry for this variant (Variation ID: 2192335). Advanced modeling of protein sequence and biophysical properties (such as structural, functional, and spatial information, amino acid conservation, physicochemical variation, residue mobility, and thermodynamic stability) performed at Invitae indicates that this missense variant is expected to disrupt GLB1 protein function with a positive predictive value of 95%. In summary, the available evidence is currently insufficient to determine the role of this variant in disease. Therefore, it has been classified as a Variant of Uncertain Significance.